The following is an entry in ClinVar:

ClinVar aggregate classification (germline): Uncertain significance (1 of 4 stars; one submission).

Conditions:
Dilated cardiomyopathy 1O (CMD1O). Also called: CARDIOMYOPATHY, DILATED, WITH VENTRICULAR TACHYCARDIA. Identifiers: Orphanet 154, MedGen C1837839, MONDO:0012062, OMIM 608569.

gnomAD v4.1: 3 of 1,614,058 alleles (0.00019%); highest among the groups gnomAD compares: Non-Finnish European, 0.00025%; no homozygotes.

Submission:

Labcorp Genetics (formerly Invitae), Labcorp
Classification: Uncertain significance for Dilated cardiomyopathy 1O. Last evaluated: 2024-12-12. Review status: criteria provided, single submitter. Criteria: Invitae Variant Classification Sherloc (09022015). Collection method: clinical testing. Allele origin: germline.
Comment: This sequence change falls in intron 2 of the ABCC9 gene. It does not directly change the encoded amino acid sequence of the ABCC9 protein. This variant is not present in population databases (gnomAD no frequency). This variant has not been reported in the literature in individuals affected with ABCC9-related conditions. Algorithms developed to predict the effect of sequence changes on RNA splicing suggest that this variant may disrupt the consensus splice site. In summary, the available evidence is currently insufficient to determine the role of this variant in disease. Therefore, it has been classified as a Variant of Uncertain Significance.

NM_020297.4(ABCC9):c.285-20T>C

Gene: ABCC9 (ATP binding cassette subfamily C member 9; minus strand). Cytogenetic location: 12p12.1.
Variant type: single nucleotide variant.
Coding change: c.285-20T>C on transcript NM_020297.4 (MANE Select); 20 bases into the intron before coding-DNA position 285, T replaced by C.
Molecular consequence: intron variant.
Genome position (GRCh38, 1-based): chr12:21,926,083, A>G on the plus strand (T>C on the coding strand, the complement: ABCC9 is on the minus strand). VCF-style: chr12-21926083-A-G. GRCh37 (hg19) VCF-style: chr12-22079017-A-G.
Other names: c.-170-20T>C (NM_001377274.1); c.285-20T>C (NM_005691.4, NM_001377273.1).
Identifiers: ClinVar variation 3717317 (VCV003717317.2).
Genomic context (GRCh38, chr12:21,926,083, plus strand): 5'-CGGCTGGCATAAAGAGGTGGAGGTGCCTTGATTCCCGCCGCCTAGAAAGAGCAGTACGTC[A>G]ACGCCTAAAGCTGATGGTTCCAGATAATTTCTTATTTTTTTTCAAATTTTTTCATAAGAA-3'